The following is an entry in ClinVar:

ClinVar aggregate classification (germline): Uncertain significance (1 of 4 stars; one submission).

gnomAD v4.1: 16 of 1,614,218 alleles (0.00099%); highest among the groups gnomAD compares: Non-Finnish European, 0.0014%; no homozygotes.

Submission:

Labcorp Genetics (formerly Invitae), Labcorp
Classification: Uncertain significance. Last evaluated: 2024-06-26. Review status: criteria provided, single submitter. Criteria: Invitae Variant Classification Sherloc (09022015). Collection method: clinical testing. Allele origin: germline.
Comment: This sequence change replaces tyrosine, which is neutral and polar, with cysteine, which is neutral and slightly polar, at codon 636 of the HIVEP2 protein (p.Tyr636Cys). This variant is not present in population databases (gnomAD no frequency). This variant has not been reported in the literature in individuals affected with HIVEP2-related conditions. Advanced modeling of protein sequence and biophysical properties (such as structural, functional, and spatial information, amino acid conservation, physicochemical variation, residue mobility, and thermodynamic stability) performed at Invitae indicates that this missense variant is expected to disrupt HIVEP2 protein function with a positive predictive value of 80%. In summary, the available evidence is currently insufficient to determine the role of this variant in disease. Therefore, it has been classified as a Variant of Uncertain Significance.

NM_006734.4(HIVEP2):c.1907A>G (p.Tyr636Cys)

Gene: HIVEP2 (HIVEP zinc finger 2; minus strand). Cytogenetic location: 6q24.2.
Variant type: single nucleotide variant.
Coding change: c.1907A>G on transcript NM_006734.4 (MANE Select); coding-DNA position 1907, A replaced by G.
Protein change: p.Tyr636Cys; replaces tyrosine 636 with cysteine.
Molecular consequence: missense variant.
Genome position (GRCh38, 1-based): chr6:142,772,832, T>C on the plus strand (A>G on the coding strand, the complement: HIVEP2 is on the minus strand). VCF-style: chr6-142772832-T-C. GRCh37 (hg19) VCF-style: chr6-143093969-T-C.
Other names: short protein forms Y636C.
Identifiers: ClinVar variation 3698671 (VCV003698671.2).
Genomic context (GRCh38, chr6:142,772,832, plus strand): 5'-TGCTTTGGTGTTTCAGAGTCCTCCCACTTCTTATAGGGTTTCCGACAGACATCATAGTCA[T>C]ACCCAACCCTGTCCCCAGGAGACAATTTCTTTTCCTTCAGGGATGAACTGCTGATACCCT-3'
Protein context (NP_006725.3, residues 626-646): KKLSPGDRVG[Tyr636Cys]DYDVCRKPYK